The following is an entry in ClinVar:

NM_007294.4(BRCA1):c.2372T>G (p.Leu791Arg)

Gene: BRCA1 (BRCA1 DNA repair associated; minus strand). Cytogenetic location: 17q21.31.
Variant type: single nucleotide variant.
Coding change: c.2372T>G on transcript NM_007294.4 (MANE Select); coding-DNA position 2372, T replaced by G.
Protein change: p.Leu791Arg; replaces leucine 791 with arginine.
Molecular consequence: missense variant. On other transcripts: intron variant (137).
Genome position (GRCh38, 1-based): chr17:43,093,159, A>C on the plus strand (T>G on the coding strand, the complement: BRCA1 is on the minus strand). VCF-style: chr17-43093159-A-C. GRCh37 (hg19) VCF-style: chr17-41245176-A-C.
Other names: c.2294T>G, p.Leu765Arg (NM_001407663.1, NM_001407653.1, NM_001407654.1 and 4 more transcripts); c.2249T>G, p.Leu750Arg (NM_001407664.1, NM_001407665.1, NM_001407666.1 and 19 more transcripts); c.2228T>G, p.Leu743Arg (NM_001407841.1, NM_001407842.1, NM_001407843.1 and 20 more transcripts); c.545-2127T>G (NM_001408495.1); c.661+1585T>G (NM_001408448.1, NM_001408445.1, NM_001408446.1 and 6 more transcripts); c.668-2127T>G (NM_001408421.1, NM_001408431.1, NM_001408424.1); c.646+1585T>G (NM_001408454.1, NM_001408460.1, NM_001408458.1 and 11 more transcripts); c.709+1585T>G (NM_001408409.1, NM_001408412.1, NM_001408414.1 and 2 more transcripts); and 41 more; short protein forms L744R, L791R, L623R, L663R, L664R, L679R, L680R, L702R.
Identifiers: ClinVar variation 821176 (VCV000821176.17), dbSNP rs774730386, ClinGen allele CA058597.

ClinVar aggregate classification (germline): Conflicting classifications of pathogenicity. Review status: criteria provided, conflicting classifications (1 of 4 stars). 4 submissions from 4 submitters: Uncertain significance (3); Likely benign (1). Last evaluated 2025-07-22.

Conditions:
Hereditary breast ovarian cancer syndrome. Also called: Hereditary breast and/or ovarian cancer syndrome; BRCA1- and BRCA2-Associated Hereditary Breast and Ovarian Cancer; Hereditary breast and ovarian cancer syndrome; Hereditary breast and ovarian cancer; Hereditary breast and ovarian cancer syndrome (HBOC); Breast and ovarian cancer. Identifiers: Orphanet 145, MedGen C0677776, MeSH D061325, MONDO:0003582. Disease mechanism: loss of function.
Hereditary cancer-predisposing syndrome. Also called: Neoplastic Syndromes, Hereditary; Tumor predisposition; Hereditary Cancer Syndrome; Hereditary neoplastic syndrome. Identifiers: Orphanet 140162, MedGen C0027672, MeSH D009386, MONDO:0015356.

Allele frequency attached by ClinVar (database versions not stated): gnomAD exomes below 0.00001; ExAC 0.00001.
gnomAD v4.1: 1 of 1,613,760 alleles (0.000062%); highest among the groups gnomAD compares: Admixed American, 0.0017%; no homozygotes.

Submissions (4):

Labcorp Genetics (formerly Invitae), Labcorp
Classification: Uncertain significance for Hereditary breast ovarian cancer syndrome. Last evaluated: 2025-07-22. Review status: criteria provided, single submitter. Criteria: Invitae Variant Classification Sherloc (09022015). Collection method: clinical testing. Allele origin: germline.
Comment: This sequence change replaces leucine, which is neutral and non-polar, with arginine, which is basic and polar, at codon 791 of the BRCA1 protein (p.Leu791Arg). This variant is present in population databases (rs774730386, gnomAD 0.003%). This variant has not been reported in the literature in individuals affected with BRCA1-related conditions. ClinVar contains an entry for this variant (Variation ID: 821176). Invitae Evidence Modeling of protein sequence and biophysical properties (such as structural, functional, and spatial information, amino acid conservation, physicochemical variation, residue mobility, and thermodynamic stability) indicates that this missense variant is not expected to disrupt BRCA1 protein function with a negative predictive value of 80%. In summary, the available evidence is currently insufficient to determine the role of this variant in disease. Therefore, it has been classified as a Variant of Uncertain Significance.

University of Washington Department of Laboratory Medicine, University of Washington
Classification: Likely benign for Hereditary cancer-predisposing syndrome. Last evaluated: 2023-03-23. Review status: criteria provided, single submitter. Criteria: Dines et al. (Genet Med. 2020). Collection method: curation. Allele origin: germline.
Comment: Missense variant in a coldspot region where missense variants are very unlikely to be pathogenic (PMID:31911673).

BRCA1 coldspot (exon 11 using historical exon numbering). Reclassification based on statistical prior probability

GeneDx
Classification: Uncertain significance. Last evaluated: 2023-03-14. Review status: criteria provided, single submitter. Criteria: GeneDx Variant Classification Process June 2021. Collection method: clinical testing. Allele origin: germline. Affected: yes.
Comment: Observed in an individual undergoing genetic testing for BRCA1/2; however, their cancer history was not provided (Fernndez-Lopez et al., 2019); Not observed at significant frequency in large population cohorts (gnomAD); In silico analysis supports that this missense variant has a deleterious effect on protein structure/function; Also known as 2491T>C; This variant is associated with the following publications: (PMID: 29884841, 32377563, 15343273, 9774970, 10792030, 30630528)

Ambry Genetics
Classification: Uncertain significance for Hereditary cancer-predisposing syndrome. Last evaluated: 2022-09-16. Review status: criteria provided, single submitter. Criteria: Ambry Variant Classification Scheme 2023. Collection method: clinical testing. Allele origin: germline.
Comment: The p.L791R variant (also known as c.2372T>G), located in coding exon 9 of the BRCA1 gene, results from a T to G substitution at nucleotide position 2372. The leucine at codon 791 is replaced by arginine, an amino acid with dissimilar properties. This amino acid position is not well conserved in available vertebrate species. In addition, the in silico prediction for this alteration is inconclusive. Since supporting evidence is limited at this time, the clinical significance of this alteration remains unclear.